The following is an entry in ClinVar:

NM_001278512.2(AP3B2):c.2497+1G>T

Genes: AP3B2 (adaptor related protein complex 3 subunit beta 2; minus strand), CPEB1-AS1 (CPEB1 antisense RNA 1; plus strand). Cytogenetic location: 15q25.2.
Variant type: single nucleotide variant.
Coding change: c.2497+1G>T on transcript NM_001278512.2 (MANE Select); the canonical splice donor site of the intron after coding-DNA position 2497, G replaced by T.
Molecular consequence: splice donor variant.
Genome position (GRCh38, 1-based): chr15:82,663,559, C>A on the plus strand (G>T on the coding strand, the complement: AP3B2 is on the minus strand). VCF-style: chr15-82663559-C-A. GRCh37 (hg19) VCF-style: chr15-83332311-C-A.
Other names: c.2344+1G>T (NM_001278511.2); c.2440+1G>T (NM_004644.5).
Identifiers: ClinVar variation 1956396 (VCV001956396.5), dbSNP rs1391475038, ClinGen allele CA393310013.

ClinVar aggregate classification (germline): Likely pathogenic (1 of 4 stars; one submission).

Submission:

Labcorp Genetics (formerly Invitae), Labcorp
Classification: Likely pathogenic. Last evaluated: 2022-08-10. Review status: criteria provided, single submitter. Criteria: Invitae Variant Classification Sherloc (09022015). Collection method: clinical testing. Allele origin: germline.
Comment: In summary, the currently available evidence indicates that the variant is pathogenic, but additional data are needed to prove that conclusively. Therefore, this variant has been classified as Likely Pathogenic. Algorithms developed to predict the effect of sequence changes on RNA splicing suggest that this variant may disrupt the consensus splice site. This sequence change affects a donor splice site in intron 20 of the AP3B2 gene. It is expected to disrupt RNA splicing. Variants that disrupt the donor or acceptor splice site typically lead to a loss of protein function (PMID: 16199547), and loss-of-function variants in AP3B2 are known to be pathogenic (PMID: 27889060). This variant is not present in population databases (gnomAD no frequency). This variant has not been reported in the literature in individuals affected with AP3B2-related conditions.

Literature cited by the submitters: PubMed 16199547; PubMed 27889060.